The following is an entry in ClinVar:

ClinVar aggregate classification (germline): Pathogenic (1 of 4 stars; one submission).

Submission:

Labcorp Genetics (formerly Invitae), Labcorp
Classification: Pathogenic. Last evaluated: 2024-03-24. Review status: criteria provided, single submitter. Criteria: Invitae Variant Classification Sherloc (09022015). Collection method: clinical testing. Allele origin: germline.
Comment: This sequence change inserts a large fragment of DNA, likely a transposable element, in exon 10 of the CFH gene (c.1418_1419ins?), causing a frameshift at codon 473 (p.Ala473fs). The exact size and sequence of the insertion cannot be determined by the current assay. However, the insertion is expected to result in an absent or disrupted protein product. This variant is not present in population databases (gnomAD no frequency). This variant has not been reported in the literature in individuals affected with CFH-related conditions. Algorithms developed to predict the effect of sequence changes on RNA splicing suggest that this variant may disrupt the consensus splice site. Retrotransposon insertions including LINE1 (L1), Alu, and SVA (SINE-VNTR-Alu) have been reported to be disease-causing through disruption of either a coding region or splice site (PMID: 19763152, 20307669, 22406018) and loss-of-function variants in CFH are known to be pathogenic (PMID: 11170896, 14978182, 16621965, 23870792, 25188723). For these reasons, this variant has been classified as Pathogenic.

Literature cited by the submitters: PubMed 19763152; PubMed 20307669; PubMed 22406018; PubMed 11170896; PubMed 14978182; PubMed 16621965; PubMed 23870792; PubMed 25188723.

NM_000186.4(CFH):c.1418_1419insAAGGGCCGGGCGCGGTGGCTCACGCCTGTAATCCCAGCACTTTGGGAGGCCGAGGCGGGCGNNNNNNNNNNAAAAAAAAAAAAAAAAAAAAAAAAGAAAAAGC (p.Ala473_Lys474insArgAlaGlyArgGlyGlySerArgLeuTer)

Gene: CFH (complement factor H; plus strand). Cytogenetic location: 1q31.3.
Variant type: Microsatellite.
Coding change: c.1418_1419insAAGGGCCGGGCGCGGTGGCTCACGCCTGTAATCCCAGCACTTTGGGAGGCCGAGGCGGGCGNNNNNNNNNNAAAAAAAAAAAAAAAAAAAAAAAAGAAAAAGC on transcript NM_000186.4 (MANE Select); coding-DNA positions 1418 to 1419, AAGGGCCGGGCGCGGTGGCTCACGCCTGTAATCCCAGCACTTTGGGAGGCCGAGGCGGGCGNNNNNNNNNNAAAAAAAAAAAAAAAAAAAAAAAAGAAAAAGC inserted.
Protein change: p.Ala473_Lys474insArgAlaGlyArgGlyGlySerArgLeuTer.
Molecular consequence: nonsense, inframe insertion.
Genome position: GRCh38: chr1:196,713,805-196,713,816. GRCh37 (hg19), VCF-style position (the base before the change): chr1:196,682,934.
Identifiers: ClinVar variation 2814347 (VCV002814347.3).